The following is an entry in ClinVar:

ClinVar aggregate classification (germline): Uncertain significance (1 of 4 stars; one submission).

Conditions:
Hereditary cancer-predisposing syndrome. Also called: Neoplastic Syndromes, Hereditary; Tumor predisposition; Hereditary Cancer Syndrome; Hereditary neoplastic syndrome. Identifiers: Orphanet 140162, MedGen C0027672, MeSH D009386, MONDO:0015356.

Submission:

Ambry Genetics
Classification: Uncertain significance for Hereditary cancer-predisposing syndrome. Last evaluated: 2022-01-21. Review status: criteria provided, single submitter. Criteria: Ambry Variant Classification Scheme 2023. Collection method: clinical testing. Allele origin: germline.
Comment: The p.S535T variant (also known as c.1603T>A), located in coding exon 11 of the PMS2 gene, results from a T to A substitution at nucleotide position 1603. The serine at codon 535 is replaced by threonine, an amino acid with similar properties. This amino acid position is conserved. In addition, this alteration is predicted to be tolerated by in silico analysis. Since supporting evidence is limited at this time, the clinical significance of this alteration remains unclear.

NM_000535.7(PMS2):c.1603T>A (p.Ser535Thr)

Gene: PMS2 (PMS1 homolog 2, mismatch repair system component; minus strand). Cytogenetic location: 7p22.1.
Variant type: single nucleotide variant.
Coding change: c.1603T>A on transcript NM_000535.7 (MANE Select); coding-DNA position 1603, T replaced by A.
Protein change: p.Ser535Thr; replaces serine 535 with threonine.
Molecular consequence: missense variant. On other transcripts: non-coding transcript variant (1).
Genome position (GRCh38, 1-based): chr7:5,987,162, A>T on the plus strand (T>A on the coding strand, the complement: PMS2 is on the minus strand). VCF-style: chr7-5987162-A-T. GRCh37 (hg19) VCF-style: chr7-6026793-A-T.
Other names: c.1198T>A, p.Ser400Thr (NM_001018040.1, NM_001322003.2, NM_001322004.2 and 17 more transcripts); c.1447T>A, p.Ser483Thr (NM_001322006.2, NM_001406870.1); c.1285T>A, p.Ser429Thr (NM_001322007.2, NM_001322008.2, NM_001406876.1 and 2 more transcripts); c.1042T>A, p.Ser348Thr (NM_001322010.2, NM_001406906.1, NM_001406907.1); c.670T>A, p.Ser224Thr (NM_001322011.2, NM_001322012.2); c.1030T>A, p.Ser344Thr (NM_001322013.2, NM_001406909.1); c.1603T>A, p.Ser535Thr (NM_001322014.2, NM_001406871.1, NM_001406872.1); c.1294T>A, p.Ser432Thr (NM_001322015.2, NM_001406875.1, NM_001406877.1 and 5 more transcripts); and 12 more; short protein forms S364T, S400T, S429T, S499T, S348T, S377T, S427T, S432T.
Identifiers: ClinVar variation 1776229 (VCV001776229.2), dbSNP rs2128726986, ClinGen allele CA366741502.